The following is an entry in ClinVar:

ClinVar aggregate classification (germline): Uncertain significance (1 of 4 stars; one submission).

gnomAD v4.1: 2 of 1,611,726 alleles (0.00012%); highest among the groups gnomAD compares: Non-Finnish European, 0.00017%; no homozygotes.

Submission:

GeneDx
Classification: Uncertain significance. Last evaluated: 2024-06-06. Review status: criteria provided, single submitter. Criteria: GeneDx Variant Classification Process June 2021. Collection method: clinical testing. Allele origin: germline. Affected: yes.
Comment: Not observed at significant frequency in large population cohorts (gnomAD); In silico analysis indicates that this missense variant does not alter protein structure/function; Has not been previously published as pathogenic or benign to our knowledge

NM_013450.4(BAZ2B):c.1286C>G (p.Ser429Cys)

Genes: BAZ2B (bromodomain adjacent to zinc finger domain 2B; minus strand), LOC126806391 (MED14-independent group 3 enhancer GRCh37_chr2:160294250-160295449; plus strand). Cytogenetic location: 2q24.2.
Variant type: single nucleotide variant.
Coding change: c.1286C>G on transcript NM_013450.4 (MANE Select); coding-DNA position 1286, C replaced by G.
Protein change: p.Ser429Cys; replaces serine 429 with cysteine.
Molecular consequence: missense variant.
Genome position (GRCh38, 1-based): chr2:159,438,310, G>C on the plus strand (C>G on the coding strand, the complement: BAZ2B is on the minus strand). VCF-style: chr2-159438310-G-C. GRCh37 (hg19) VCF-style: chr2-160294821-G-C.
Other names: c.1280C>G, p.Ser427Cys (NM_001289975.1); c.1097C>G, p.Ser366Cys (NM_001329857.2); c.1286C>G, p.Ser429Cys (NM_001329858.2); short protein forms S366C, S427C, S429C.
Identifiers: ClinVar variation 3384545 (VCV003384545.1).